The following is an entry in ClinVar:

NM_024911.7(WLS):c.985C>T (p.Arg329Trp)

Genes: GNG12-AS1 (GNG12, DIRAS3 and WLS antisense RNA 1; plus strand), WLS (Wnt ligand secretion mediator; minus strand), LOC126805752 (BRD4-independent group 4 enhancer GRCh37_chr1:68613408-68614607; plus strand). Cytogenetic location: 1p31.3.
Variant type: single nucleotide variant.
Coding change: c.985C>T on transcript NM_024911.7 (MANE Select); coding-DNA position 985, C replaced by T.
Protein change: p.Arg329Trp; replaces arginine 329 with tryptophan.
Molecular consequence: missense variant.
Genome position (GRCh38, 1-based): chr1:68,148,648, G>A on the plus strand (C>T on the coding strand, the complement: WLS is on the minus strand). VCF-style: chr1-68148648-G-A. GRCh37 (hg19) VCF-style: chr1-68614331-G-A.
Other names: c.979C>T, p.Arg327Trp (NM_001002292.4); c.712C>T, p.Arg238Trp (NM_001193334.1); short protein forms R238W, R327W, R329W.
Identifiers: ClinVar variation 4850954 (VCV004850954.1).
Genomic context (GRCh38, chr1:68,148,648, plus strand): 5'-GGCAGAAGGAGCCAACGGCAATGGGTCCGACTTGCTTCCAATACCCTGCGATGTGGTTCC[G>A]CTCGTGCTGATCCTGAGGAAAACCAAATTGAGAAGGGAGATAGAGGGGAGAGGAAGACCA-3'
Protein context (NP_079187.3, residues 319-339): CGEHMMDQHE[Arg329Trp]NHIAGYWKQV

ClinVar aggregate classification (germline): VUS-high (1 of 4 stars; one submission).

Conditions:
Zaki syndrome. Also called: MICROCEPHALY, PROGRESSIVE, WITH DEVELOPMENTAL DELAY, CUPPED EARS, AND DYSMORPHIC FEATURES. Identifiers: MedGen C5562037, MONDO:0859209, OMIM 619648.

gnomAD v4.1: 143 of 1,613,714 alleles (0.0089%); highest among the groups gnomAD compares: Middle Eastern, 0.066%; no homozygotes.

Submission:

Laboratory of Cytogenetics, Molecular Genetics and Reproductive Biology, Farhat Hached University Hospital
Classification: VUS-high for Zaki syndrome. Last evaluated: 2025-12-12. Review status: criteria provided, single submitter. Criteria: ACMG Guidelines, 2015. Collection method: clinical testing. Allele origin: germline. Inheritance: Autosomal recessive inheritance. Affected: yes.
Comment: the WLS gene is associated to Zaki syndrome and is potentially relevant to neurodevelopment (PMID: 40618129); however, current evidence is insufficient to establish a definitive gene-disease association. The variant was absent or rare in population databases and has limited supporting evidence in the literature. Therefore, the variant was classified as a Variant of Uncertain Significance (VUS).

Literature cited by the submitters: PubMed 40618129.